The following is an entry in ClinVar:

NM_015107.3(PHF8):c.2474A>T (p.Asp825Val)

Gene: PHF8 (PHD finger protein 8; minus strand). Cytogenetic location: Xp11.22.
Variant type: single nucleotide variant.
Coding change: c.2474A>T on transcript NM_015107.3 (MANE Select); coding-DNA position 2474, A replaced by T.
Protein change: p.Asp825Val; replaces aspartic acid 825 with valine.
Molecular consequence: missense variant.
Genome position (GRCh38, 1-based): chrX:53,962,909, T>A on the plus strand (A>T on the coding strand, the complement: PHF8 is on the minus strand). VCF-style: chrX-53962909-T-A. GRCh37 (hg19) VCF-style: chrX-53989342-T-A.
Other names: c.2582A>T, p.Asp861Val (NM_001184896.1); c.2171A>T, p.Asp724Val (NM_001184897.2); c.2423A>T, p.Asp808Val (NM_001184898.2); short protein forms D724V, D808V, D825V, D861V.
Identifiers: ClinVar variation 3907996 (VCV003907996.2).

ClinVar aggregate classification (germline): Uncertain significance (1 of 4 stars; one submission).

Submission:

GeneDx
Classification: Uncertain significance. Last evaluated: 2025-07-24. Review status: criteria provided, single submitter. Criteria: GeneDx Variant Classification Process June 2021. Collection method: clinical testing. Allele origin: germline.
Comment: Not observed at significant frequency in large population cohorts (gnomAD); In silico analysis supports that this missense variant has a deleterious effect on protein structure/function; Has not been previously published as pathogenic or benign to our knowledge